The following is an entry in ClinVar:

GRCh37/hg19 10q25.1(chr10:107371918-107854441)x3

Variant type: copy number gain.
Change: copy number 3 (three copies instead of two) of chr10:107,371,918-107,854,441 (482.5 kb, GRCh37 coordinates, 1-based), cytogenetic band 10q25.1.
Identifiers: ClinVar variation 242843 (VCV000242843.2).

ClinVar aggregate classification (germline): Uncertain significance (1 of 4 stars; one submission).

Submission:

Clinical Genomics Laboratory, Laboratory for Precision Diagnostics, University of Washington
Classification: Uncertain significance. Last evaluated: 2016-01-27. Review status: criteria provided, single submitter. Criteria: Clinical Cytogenomics Laboratory Policy on CNV Interpretation. Collection method: clinical testing. Allele origin: unknown. Affected: yes. Observed: 1 variant allele.